The following is an entry in ClinVar:

NM_001040436.3(YARS2):c.1427A>G (p.Gln476Arg)

Gene: YARS2 (tyrosyl-tRNA synthetase 2; minus strand). Cytogenetic location: 12p11.21.
Variant type: single nucleotide variant.
Coding change: c.1427A>G on transcript NM_001040436.3 (MANE Select); coding-DNA position 1427, A replaced by G.
Protein change: p.Gln476Arg; replaces glutamine 476 with arginine.
Molecular consequence: missense variant.
Genome position (GRCh38, 1-based): chr12:32,747,211, T>C on the plus strand (A>G on the coding strand, the complement: YARS2 is on the minus strand). VCF-style: chr12-32747211-T-C. GRCh37 (hg19) VCF-style: chr12-32900145-T-C.
Other names: short protein forms Q476R.
Identifiers: ClinVar variation 1028984 (VCV001028984.1), dbSNP rs1955656296, ClinGen allele CA384368153.

ClinVar aggregate classification (germline): Uncertain significance (1 of 4 stars; one submission).

Conditions:
Myopathy, lactic acidosis, and sideroblastic anemia 2 (MLASA2). Identifiers: Orphanet 2598, MedGen C3150802, MONDO:0013307, OMIM 613561.

Allele frequency attached by ClinVar (database versions not stated): gnomAD exomes below 0.00001.

Submission:

Baylor Genetics
Classification: Uncertain significance for Myopathy, lactic acidosis, and sideroblastic anemia 2. Last evaluated: 2019-12-07. Review status: criteria provided, single submitter. Criteria: ACMG Guidelines, 2015. Collection method: clinical testing. Allele origin: unknown. Affected: yes.
Comment: This variant was determined to be of uncertain significance according to ACMG Guidelines, 2015 [PMID:25741868].